The following is an entry in ClinVar:

NM_001385079.1(PDE10A):c.921T>A (p.Asp307Glu)

Gene: PDE10A (phosphodiesterase 10A; minus strand). Cytogenetic location: 6q27.
Variant type: single nucleotide variant.
Coding change: c.921T>A on transcript NM_001385079.1 (MANE Select); coding-DNA position 921, T replaced by A.
Protein change: p.Asp307Glu; replaces aspartic acid 307 with glutamic acid.
Molecular consequence: missense variant.
Genome position (GRCh38, 1-based): chr6:165,543,513, A>T on the plus strand (T>A on the coding strand, the complement: PDE10A is on the minus strand). VCF-style: chr6-165543513-A-T. GRCh37 (hg19) VCF-style: chr6-165957001-A-T.
Other names: c.123T>A (NM_001130690.1); c.123T>A, p.Asp41Glu (NM_001130690.3); c.93T>A, p.Asp31Glu (NM_006661.4); short protein forms D307E, D31E, D41E.
Identifiers: ClinVar variation 3339790 (VCV003339790.2).

ClinVar aggregate classification (germline): Uncertain significance. Review status: criteria provided, multiple submitters, no conflicts (2 of 4 stars). 2 submissions from 2 submitters: Uncertain significance (2). Last evaluated 2025-12-04.

Conditions:
Inborn genetic diseases. Identifiers: MedGen C0950123, MeSH D030342.

gnomAD v4.1: 6 of 1,611,534 alleles (0.00037%); highest among the groups gnomAD compares: Non-Finnish European, 0.00051%; no homozygotes.

Submissions (2):

Ambry Genetics
Classification: Uncertain significance for Inborn genetic diseases. Last evaluated: 2025-12-04. Review status: criteria provided, single submitter. Criteria: Ambry Variant Classification Scheme 2023. Collection method: clinical testing. Allele origin: germline.

Women's Health and Genetics/Laboratory Corporation of America, LabCorp
Classification: Uncertain significance. Last evaluated: 2024-06-25. Review status: criteria provided, single submitter. Criteria: LabCorp Variant Classification Summary - May 2015. Collection method: clinical testing. Allele origin: germline.
Comment: Variant summary: PDE10A c.123T>A (p.Asp41Glu) results in a conservative amino acid change in the encoded protein sequence. Three of four in-silico tools predict a benign effect of the variant on protein function. The variant was absent in 250518 control chromosomes (gnomAD). The available data on variant occurrences in the general population are insufficient to allow any conclusion about variant significance. To our knowledge, no occurrence of c.123T>A in individuals affected with PDE10A-Related Disorders and no experimental evidence demonstrating its impact on protein function have been reported. No submitters have cited clinical-significance assessments for this variant to ClinVar. Based on the evidence outlined above, the variant was classified as uncertain significance.